The following is an entry in ClinVar:

ClinVar aggregate classification (germline): Likely pathogenic (1 of 4 stars; one submission).

Conditions:
Autoimmune enteropathy and endocrinopathy - susceptibility to chronic infections syndrome. Also called: Immunodeficiency 31C, autosomal dominant; Immunodeficiency 31C. Identifiers: Orphanet 391487, MedGen C3279990, MONDO:0013599, OMIM 614162.

Submission:

Johns Hopkins Genomics, Johns Hopkins University
Classification: Likely pathogenic for Autoimmune enteropathy and endocrinopathy - susceptibility to chronic infections syndrome. Last evaluated: 2023-10-18. Review status: criteria provided, single submitter. Criteria: ACMG Guidelines, 2015. Collection method: clinical testing. Allele origin: germline.
Comment: This STAT1 variant is absent from a large population dataset and has not been reported in ClinVar nor the literature, to our knowledge. The aspartate residue at this position is strongly conserved across the vertebrate species assessed. Two bioinformatic tools queried predict that the substitution would be damaging, but these algorithms have low specificity, especially for predicting gain of function variants. Bioinformatic analysis predicts that this missense variant would not affect normal exon 7 splicing, although this has not been confirmed experimentally to our knowledge. A different missense change affecting this amino acid residue (p.Asp171Asn) has been identified in multiple unrelated individuals with chronic mucocutaneous candidiasis and/or suspected primary immunodeficiency. We consider c.511G>C (p.Asp171His) to be likely pathogenic for immunodeficiency-31C.

Literature cited by the submitters: PubMed 21714643; PubMed 21727188; PubMed 27114460; PubMed 31677808; PubMed 32888943.

NM_007315.4(STAT1):c.511G>C (p.Asp171His)

Gene: STAT1 (signal transducer and activator of transcription 1; minus strand). Cytogenetic location: 2q32.2.
Variant type: single nucleotide variant.
Coding change: c.511G>C on transcript NM_007315.4 (MANE Select); coding-DNA position 511, G replaced by C.
Protein change: p.Asp171His; replaces aspartic acid 171 with histidine.
Molecular consequence: missense variant.
Genome position (GRCh38, 1-based): chr2:190,999,656, C>G on the plus strand (G>C on the coding strand, the complement: STAT1 is on the minus strand). VCF-style: chr2-190999656-C-G. GRCh37 (hg19) VCF-style: chr2-191864382-C-G.
Other names: c.511G>C, p.Asp171His (NM_001384880.1, NM_001384882.1, NM_001384885.1 and 5 more transcripts); c.517G>C, p.Asp173His (NM_001384881.1, NM_001384884.1); c.504G>C, p.Met168Ile (NM_001384883.1); c.421G>C, p.Asp141His (NM_001384890.1); c.547G>C, p.Asp183His (NM_001384891.1); short protein forms D141H, D171H, D173H, D183H, M168I.
Identifiers: ClinVar variation 2690904 (VCV002690904.1), dbSNP rs2125075054, ClinGen allele CA349924400.